The following is an entry in ClinVar:

NM_001868.4(CPA1):c.4C>T (p.Arg2Trp)

Gene: CPA1 (carboxypeptidase A1; plus strand). Cytogenetic location: 7q32.2.
Variant type: single nucleotide variant.
Coding change: c.4C>T on transcript NM_001868.4 (MANE Select); coding-DNA position 4, C replaced by T.
Protein change: p.Arg2Trp; replaces arginine 2 with tryptophan.
Molecular consequence: missense variant.
Genome position (GRCh38, 1-based): chr7:130,380,524, C>T. VCF-style: chr7-130380524-C-T. GRCh37 (hg19) VCF-style: chr7-130020365-C-T.
Other names: short protein forms R2W.
Identifiers: ClinVar variation 1000164 (VCV001000164.11), dbSNP rs541913287, ClinGen allele CA369278808.

ClinVar aggregate classification (germline): Uncertain significance. Review status: criteria provided, multiple submitters, no conflicts (2 of 4 stars). 2 submissions from 2 submitters: Uncertain significance (2). Last evaluated 2025-11-26.

Conditions:
Hereditary pancreatitis (PCTT). Also called: Hereditary chronic pancreatitis; PRSS1-Related Hereditary Pancreatitis. Identifiers: Orphanet 676, MedGen C0238339, MONDO:0008185, OMIM 167800.

Allele frequency attached by ClinVar (database versions not stated): gnomAD 0.00001; TOPMed 0.00001.
gnomAD v4.1: 11 of 1,314,664 alleles (0.00084%); highest among the groups gnomAD compares: East Asian, 0.0056%; no homozygotes.

Submissions (2):

Ambry Genetics
Classification: Uncertain significance for Hereditary pancreatitis. Last evaluated: 2025-11-26. Review status: criteria provided, single submitter. Criteria: Ambry Variant Classification Scheme 2023. Collection method: clinical testing. Allele origin: germline.
Comment: The p.R2W variant (also known as c.4C>T), located in coding exon 1 of the CPA1 gene, results from a C to T substitution at nucleotide position 4. The arginine at codon 2 is replaced by tryptophan, an amino acid with dissimilar properties. This amino acid position is conserved. In addition, this alteration is predicted to be tolerated by in silico analysis. Since supporting evidence is limited at this time, the clinical significance of this alteration remains unclear.

Labcorp Genetics (formerly Invitae), Labcorp
Classification: Uncertain significance. Last evaluated: 2024-08-22. Review status: criteria provided, single submitter. Criteria: Invitae Variant Classification Sherloc (09022015). Collection method: clinical testing. Allele origin: germline.
Comment: This sequence change replaces arginine, which is basic and polar, with tryptophan, which is neutral and slightly polar, at codon 2 of the CPA1 protein (p.Arg2Trp). This variant is not present in population databases (gnomAD no frequency). This variant has not been reported in the literature in individuals affected with CPA1-related conditions. ClinVar contains an entry for this variant (Variation ID: 1000164). Experimental studies and prediction algorithms are not available or were not evaluated, and the functional significance of this variant is currently unknown. In summary, the available evidence is currently insufficient to determine the role of this variant in disease. Therefore, it has been classified as a Variant of Uncertain Significance.